The following is an entry in ClinVar:

ClinVar aggregate classification (germline): Likely pathogenic (1 of 4 stars; one submission).

Allele frequency attached by ClinVar (database versions not stated): ExAC 0.00001.

Submission:

Labcorp Genetics (formerly Invitae), Labcorp
Classification: Likely pathogenic. Last evaluated: 2025-07-21. Review status: criteria provided, single submitter. Criteria: Invitae Variant Classification Sherloc (09022015). Collection method: clinical testing. Allele origin: germline.
Comment: This sequence change replaces glycine, which is neutral and non-polar, with alanine, which is neutral and non-polar, at codon 302 of the COL4A4 protein (p.Gly302Ala). The frequency data for this variant in the population databases is considered unreliable, as metrics indicate poor data quality at this position in the gnomAD database. This missense change has been observed in individuals with clinical features of Alport syndrome (internal data). ClinVar contains an entry for this variant (Variation ID: 2166809). Invitae Evidence Modeling of protein sequence and biophysical properties (such as structural, functional, and spatial information, amino acid conservation, physicochemical variation, residue mobility, and thermodynamic stability) indicates that this missense variant is expected to disrupt COL4A4 protein function with a positive predictive value of 95%. This variant disrupts the p.Gly302 amino acid residue in COL4A4. Other variant(s) that disrupt this residue have been observed in individuals with COL4A4-related conditions (internal data), which suggests that this may be a clinically significant amino acid residue. In summary, the currently available evidence indicates that the variant is pathogenic, but additional data are needed to prove that conclusively. Therefore, this variant has been classified as Likely Pathogenic.

NM_000092.5(COL4A4):c.905G>C (p.Gly302Ala)

Gene: COL4A4 (collagen type IV alpha 4 chain; minus strand). Cytogenetic location: 2q36.3.
Variant type: single nucleotide variant.
Coding change: c.905G>C on transcript NM_000092.5 (MANE Select); coding-DNA position 905, G replaced by C.
Protein change: p.Gly302Ala; replaces glycine 302 with alanine.
Molecular consequence: missense variant.
Genome position (GRCh38, 1-based): chr2:227,102,814, C>G on the plus strand (G>C on the coding strand, the complement: COL4A4 is on the minus strand). VCF-style: chr2-227102814-C-G. GRCh37 (hg19) VCF-style: chr2-227967530-C-G.
Other names: short protein forms G302A.
Identifiers: ClinVar variation 2166809 (VCV002166809.3), dbSNP rs777687210, ClinGen allele CA2145367.